The following is an entry in ClinVar:

ClinVar aggregate classification (germline): Likely benign (1 of 4 stars; one submission).

Conditions:
EFTUD2-related disorder. Also called: EFTUD2-related condition.

gnomAD v4.1: 4 of 1,583,256 alleles (0.00025%); highest among the groups gnomAD compares: Admixed American, 0.0036%; no homozygotes.

Submission:

PreventionGenetics, part of Exact Sciences
Classification: Likely benign for EFTUD2-related condition. Last evaluated: 2026-06-28. Review status: criteria provided, single submitter. Criteria: ACMG Guidelines, 2015. Collection method: clinical testing. Allele origin: germline.
Comment: This variant is classified as likely benign based on ACMG/AMP sequence variant interpretation guidelines (Richards et al. 2015 PMID: 25741868, with internal and published modifications).

NM_004247.4(EFTUD2):c.1059-7C>G

Gene: EFTUD2 (elongation factor Tu GTP binding domain containing 2; minus strand). Cytogenetic location: 17q21.31.
Variant type: single nucleotide variant.
Coding change: c.1059-7C>G on transcript NM_004247.4 (MANE Select); 7 bases into the intron before coding-DNA position 1059, C replaced by G.
Molecular consequence: intron variant.
Genome position (GRCh38, 1-based): chr17:44,867,904, G>C on the plus strand (C>G on the coding strand, the complement: EFTUD2 is on the minus strand). VCF-style: chr17-44867904-G-C. GRCh37 (hg19) VCF-style: chr17-42945272-G-C.
Other names: c.954-7C>G (NM_001142605.2); c.1029-7C>G (NM_001258354.2); c.1059-7C>G (NM_001258353.2).
Identifiers: ClinVar variation 4997655 (VCV004997655.1).